The following is an entry in ClinVar:

ClinVar aggregate classification (germline): Uncertain significance. Review status: criteria provided, multiple submitters, no conflicts (2 of 4 stars). 2 submissions from 2 submitters: Uncertain significance (2). Last evaluated 2025-01-21.

Conditions:
Hereditary cancer-predisposing syndrome. Also called: Neoplastic Syndromes, Hereditary; Tumor predisposition; Hereditary Cancer Syndrome; Hereditary neoplastic syndrome. Identifiers: Orphanet 140162, MedGen C0027672, MeSH D009386, MONDO:0015356.

Submissions (2):

Ambry Genetics
Classification: Uncertain significance for Hereditary cancer-predisposing syndrome. Last evaluated: 2025-01-21. Review status: criteria provided, single submitter. Criteria: Ambry Variant Classification Scheme 2023. Collection method: clinical testing. Allele origin: germline.
Comment: The p.S417P variant (also known as c.1249T>C), located in coding exon 4 of the PALB2 gene, results from a T to C substitution at nucleotide position 1249. The serine at codon 417 is replaced by proline, an amino acid with similar properties. This amino acid position is conserved. In addition, the in silico prediction for this alteration is inconclusive. Based on the available evidence, the clinical significance of this variant remains unclear.

GeneDx
Classification: Uncertain significance. Last evaluated: 2022-05-26. Review status: criteria provided, single submitter. Criteria: GeneDx Variant Classification Process June 2021. Collection method: clinical testing. Allele origin: germline. Affected: yes.
Comment: Not observed at significant frequency in large population cohorts (gnomAD); In silico analysis supports that this missense variant has a deleterious effect on protein structure/function; Has not been previously published as pathogenic or benign to our knowledge; This variant is associated with the following publications: (PMID: 22193777)

NM_024675.4(PALB2):c.1249T>C (p.Ser417Pro)

Gene: PALB2 (partner and localizer of BRCA2; minus strand). Cytogenetic location: 16p12.2.
Variant type: single nucleotide variant.
Coding change: c.1249T>C on transcript NM_024675.4 (MANE Select); coding-DNA position 1249, T replaced by C.
Protein change: p.Ser417Pro; replaces serine 417 with proline.
Molecular consequence: missense variant.
Genome position (GRCh38, 1-based): chr16:23,635,297, A>G on the plus strand (T>C on the coding strand, the complement: PALB2 is on the minus strand). VCF-style: chr16-23635297-A-G. GRCh37 (hg19) VCF-style: chr16-23646618-A-G.
Other names: c.1189T>C, p.Ser397Pro (NM_001407296.1); c.1249T>C, p.Ser417Pro (NM_001407297.1, NM_001407298.1, NM_001407299.1 and 3 more transcripts); c.364T>C, p.Ser122Pro (NM_001407304.1, NM_001407305.1, NM_001407306.1 and 5 more transcripts); short protein forms S122P, S397P, S417P.
Identifiers: ClinVar variation 1801182 (VCV001801182.2), dbSNP rs1966981850, ClinGen allele CA395132897.